The following is an entry in ClinVar:

NM_001267550.2(TTN):c.41179C>G (p.Arg13727Gly)

Gene: TTN (titin; minus strand). Cytogenetic location: 2q31.2.
Variant type: single nucleotide variant.
Coding change: c.41179C>G on transcript NM_001267550.2 (MANE Select); coding-DNA position 41179, C replaced by G.
Protein change: p.Arg13727Gly; replaces arginine 13727 with glycine.
Molecular consequence: missense variant.
Genome position (GRCh38, 1-based): chr2:178,636,548, G>C on the plus strand (C>G on the coding strand, the complement: TTN is on the minus strand). VCF-style: chr2-178636548-G-C. GRCh37 (hg19) VCF-style: chr2-179501275-G-C.
Other names: c.36256C>G, p.Arg12086Gly (NM_001256850.1); c.13984C>G, p.Arg4662Gly (NM_003319.4); c.14359C>G, p.Arg4787Gly (NM_133432.3); c.14560C>G, p.Arg4854Gly (NM_133437.4); c.33475C>G, p.Arg11159Gly (NM_133378.4); short protein forms R13727G, R11159G, R4787G, R12086G, R4854G, R4662G.
Identifiers: ClinVar variation 46944 (VCV000046944.5), dbSNP rs397517563, ClinGen allele CA139593.

ClinVar aggregate classification (germline): Uncertain significance (1 of 4 stars; one submission).

Submission:

Laboratory for Molecular Medicine, Mass General Brigham Personalized Medicine
Classification: Uncertain significance. Last evaluated: 2012-03-21. Review status: criteria provided, single submitter. Criteria: LMM Criteria. Collection method: clinical testing. Allele origin: germline. Observed: 1 variant allele.
Comment: The Arg11159Gly variant has not been reported in the literature nor previously i dentified by our laboratory. Computational analyses (biochemical amino acid prop erties, conservation, PolyPhen2, and SIFT) suggest that this variant may impact the protein, though this information is not predictive enough to determine patho genicity. Additional information is needed to fully assess the clinical signific ance of the Arg11159Gly variant.